The following is an entry in ClinVar:

ClinVar aggregate classification (germline): Benign/Likely benign. Review status: criteria provided, multiple submitters, no conflicts (2 of 4 stars). 5 submissions from 5 submitters: Benign (1); Likely benign (4). Last evaluated 2024-05-07.

Conditions:
Hereditary cancer-predisposing syndrome. Also called: Neoplastic Syndromes, Hereditary; Hereditary neoplastic syndrome; Tumor predisposition; Hereditary Cancer Syndrome. Identifiers: Orphanet 140162, MedGen C0027672, MeSH D009386, MONDO:0015356.
Ataxia-telangiectasia syndrome (AT). Also called: AT, COMPLEMENTATION GROUP C; ATAXIA-TELANGIECTASIA, COMPLEMENTATION GROUP A; ATAXIA-TELANGIECTASIA, FRESNO VARIANT; LOUIS-BAR SYNDROME; Ataxia-telangiectasia; Cerebello-oculocutaneous telangiectasia. Identifiers: Orphanet 100, MedGen C0004135, MONDO:0008840, OMIM 208900.
Familial cancer of breast. Also called: BREAST CANCER, FAMILIAL; hereditary breast carcinoma; Hereditary breast cancer. Identifiers: Orphanet 227535, MedGen C0346153, MONDO:0016419, OMIM 114480. Disease mechanism: loss of function.

Allele frequency attached by ClinVar (database versions not stated): TOPMed below 0.00001.

Submissions (5):

Myriad Genetics, Inc.
Classification: Benign for Familial cancer of breast. Last evaluated: 2024-05-07. Review status: criteria provided, single submitter. Criteria: Myriad Autosomal Dominant, Autosomal Recessive and X-Linked Classification Criteria (2023). Collection method: clinical testing. Allele origin: unknown.
Comment: This variant is considered benign. This variant is a silent/synonymous amino acid change and it is not expected to impact splicing.

Labcorp Genetics (formerly Invitae), Labcorp
Classification: Likely benign for Ataxia-telangiectasia syndrome. Last evaluated: 2024-03-06. Review status: criteria provided, single submitter. Criteria: Invitae Variant Classification Sherloc (09022015). Collection method: clinical testing. Allele origin: germline.

Color Diagnostics, LLC DBA Color Health
Classification: Likely benign for Hereditary cancer-predisposing syndrome. Last evaluated: 2018-03-06. Review status: criteria provided, single submitter. Criteria: ACMG Guidelines, 2015. Collection method: clinical testing. Allele origin: germline.

GeneDx
Classification: Likely benign. Last evaluated: 2016-12-02. Review status: criteria provided, single submitter. Criteria: GeneDx Variant Classification (06012015). Collection method: clinical testing. Allele origin: germline. Affected: yes.
Comment: This variant is considered likely benign or benign based on one or more of the following criteria: it is a conservative change, it occurs at a poorly conserved position in the protein, it is predicted to be benign by multiple in silico algorithms, and/or has population frequency not consistent with disease.

Ambry Genetics
Classification: Likely benign for Hereditary cancer-predisposing syndrome. Last evaluated: 2016-07-08. Review status: criteria provided, single submitter. Criteria: Ambry Variant Classification Scheme 2023. Collection method: clinical testing. Allele origin: germline.

NM_000051.4(ATM):c.2223T>C (p.Tyr741=)

Gene: ATM (ATM serine/threonine kinase; plus strand). Cytogenetic location: 11q22.3.
Variant type: single nucleotide variant.
Coding change: c.2223T>C on transcript NM_000051.4 (MANE Select); coding-DNA position 2223, T replaced by C.
Protein change: p.Tyr741=; no amino-acid change (tyrosine 741 retained).
Molecular consequence: synonymous variant.
Genome position (GRCh38, 1-based): chr11:108,256,313, T>C. VCF-style: chr11-108256313-T-C. GRCh37 (hg19) VCF-style: chr11-108127040-T-C.
Other names: c.2223T>C, p.Tyr741= (NM_001351834.2).
Identifiers: ClinVar variation 391503 (VCV000391503.18), dbSNP rs1057524111, ClinGen allele CA16606162.
Genomic context (GRCh38, chr11:108,256,313, plus strand): 5'-TTTGGTGGGTGTCCTTGGCTGCTACTGTTACATGGGTGTAATAGCTGAAGAGGAAGCATA[T>C]AAGTCAGAATTATTCCAGAAAGCCAAGGTAGGAGAATTTATACTAATAAAGTTTCGGATA-3'
Protein context (NP_000042.3, residues 731-751): YMGVIAEEEA[Tyr741=]KSELFQKAKS